The following is an entry in ClinVar:

ClinVar aggregate classification (germline): Uncertain significance. Review status: criteria provided, single submitter (1 of 4 stars). 2 submissions from 2 submitters: Uncertain significance (1). 1 of the submissions does not count toward it. Last evaluated 2025-03-05.

Conditions:
RAI1-related disorder. Also called: RAI1-related condition.

Submissions (2):

Labcorp Genetics (formerly Invitae), Labcorp
Classification: Uncertain significance. Last evaluated: 2025-03-05. Review status: criteria provided, single submitter. Criteria: Invitae Variant Classification Sherloc (09022015). Collection method: clinical testing. Allele origin: germline.
Comment: This sequence change replaces alanine, which is neutral and non-polar, with valine, which is neutral and non-polar, at codon 1351 of the RAI1 protein (p.Ala1351Val). This variant is present in population databases (no rsID available, gnomAD 0.0009%). This variant has not been reported in the literature in individuals affected with RAI1-related conditions. ClinVar contains an entry for this variant (Variation ID: 3355633). Invitae Evidence Modeling of protein sequence and biophysical properties (such as structural, functional, and spatial information, amino acid conservation, physicochemical variation, residue mobility, and thermodynamic stability) indicates that this missense variant is not expected to disrupt RAI1 protein function with a negative predictive value of 80%. In summary, the available evidence is currently insufficient to determine the role of this variant in disease. Therefore, it has been classified as a Variant of Uncertain Significance.

PreventionGenetics, part of Exact Sciences
Classification: Uncertain significance for RAI1-related condition. Last evaluated: 2024-04-09. Review status: no assertion criteria provided. Collection method: clinical testing. Allele origin: germline. Not counted in ClinVar's aggregate classification.
Comment: The RAI1 c.4052C>T variant is predicted to result in the amino acid substitution p.Ala1351Val. To our knowledge, this variant has not been reported in the literature. This variant is reported in 0.00088% of alleles in individuals of European (Non-Finnish) descent in gnomAD. At this time, the clinical significance of this variant is uncertain due to the absence of conclusive functional and genetic evidence.

NM_030665.4(RAI1):c.4052C>T (p.Ala1351Val)

Gene: RAI1 (retinoic acid induced 1; plus strand). Cytogenetic location: 17p11.2.
Variant type: single nucleotide variant.
Coding change: c.4052C>T on transcript NM_030665.4 (MANE Select); coding-DNA position 4052, C replaced by T.
Protein change: p.Ala1351Val; replaces alanine 1351 with valine.
Molecular consequence: missense variant.
Genome position (GRCh38, 1-based): chr17:17,797,000, C>T. VCF-style: chr17-17797000-C-T. GRCh37 (hg19) VCF-style: chr17-17700314-C-T.
Other names: short protein forms A1351V.
Identifiers: ClinVar variation 3355633 (VCV003355633.2).